The following is an entry in ClinVar:

ClinVar aggregate classification (germline): Uncertain significance (1 of 4 stars; one submission).

gnomAD v4.1: 1 of 1,606,006 alleles (0.000062%); highest among the groups gnomAD compares: Non-Finnish European, 0.000085%; no homozygotes.

Submission:

Ambry Genetics
Classification: Uncertain significance. Last evaluated: 2026-07-21. Review status: criteria provided, single submitter. Criteria: Ambry Variant Classification Scheme 2023. Collection method: clinical testing. Allele origin: germline.
Comment: The p.P56S variant (also known as c.166C>T), located in coding exon 2 of the RASA2 gene, results from a C to T substitution at nucleotide position 166. The proline at codon 56 is replaced by serine, an amino acid with similar properties. This amino acid position is conserved. In addition, the in silico prediction for this alteration is inconclusive. Based on the available evidence, the clinical significance of this variant remains unclear.

NM_006506.5(RASA2):c.166C>T (p.Pro56Ser)

Gene: RASA2 (RAS p21 protein activator 2; plus strand). Cytogenetic location: 3q23.
Variant type: single nucleotide variant.
Coding change: c.166C>T on transcript NM_006506.5 (MANE Select); coding-DNA position 166, C replaced by T.
Protein change: p.Pro56Ser; replaces proline 56 with serine.
Molecular consequence: missense variant.
Genome position (GRCh38, 1-based): chr3:141,512,195, C>T. VCF-style: chr3-141512195-C-T. GRCh37 (hg19) VCF-style: chr3-141231037-C-T.
Other names: c.166C>T, p.Pro56Ser (NM_001303245.3, NM_001303246.3); short protein forms P56S.
Identifiers: ClinVar variation 5027889 (VCV005027889.1).
Genomic context (GRCh38, chr3:141,512,195, plus strand): 5'-ATAACAATTTTAAATTTTATGCCAACAGGTGAAGCAAAAAATTTATTGCCATATCTTGGA[C>T]CCCACAAAATGAGAGATTGTTTCTGTACCATAAATTTGGACCAGGAAGAAGTTTATCGTA-3'
Protein context (NP_006497.2, residues 46-66): EAKNLLPYLG[Pro56Ser]HKMRDCFCTI